The following is an entry in ClinVar:

NM_000185.4(SERPIND1):c.420G>C (p.Val140=)

Genes: PI4KA (phosphatidylinositol 4-kinase alpha; minus strand), SERPIND1 (serpin family D member 1; plus strand). Cytogenetic location: 22q11.21.
Variant type: single nucleotide variant.
Coding change: c.420G>C on transcript NM_000185.4 (MANE Select); coding-DNA position 420, G replaced by C.
Protein change: p.Val140=; no amino-acid change (valine 140 retained).
Molecular consequence: synonymous variant. On other transcripts: intron variant (3).
Genome position (GRCh38, 1-based): chr22:20,779,732, G>C. VCF-style: chr22-20779732-G-C. GRCh37 (hg19) VCF-style: chr22-21134020-G-C.
Other names: c.2262+13461C>G (NM_001362863.2); c.2328+13461C>G (NM_001362862.2, NM_058004.4).
Identifiers: ClinVar variation 3055203 (VCV003055203.2), dbSNP rs1470217765, ClinGen allele CA513697617.
Genomic context (GRCh38, chr22:20,779,732, plus strand): 5'-GAGCCGGATCCAGCGTCTTAACATCCTCAACGCCAAGTTCGCTTTCAACCTCTACCGAGT[G>C]CTGAAAGACCAGGTCAACACTTTCGATAACATCTTCATAGCACCCGTTGGCATTTCTACT-3'
Protein context (NP_000176.2, residues 130-150): NAKFAFNLYR[Val140=]LKDQVNTFDN

ClinVar aggregate classification (germline): Likely benign (0 of 4 stars; one submission).

Conditions:
SERPIND1-related disorder. Also called: SERPIND1-related condition.

Allele frequency attached by ClinVar (database versions not stated): TOPMed 0.00001.

Submission:

PreventionGenetics, part of Exact Sciences
Classification: Likely benign for SERPIND1-related condition. Last evaluated: 2020-04-29. Review status: no assertion criteria provided. Collection method: clinical testing. Allele origin: germline.
Comment: This variant is classified as likely benign based on ACMG/AMP sequence variant interpretation guidelines (Richards et al. 2015 PMID: 25741868, with internal and published modifications).